The following is an entry in ClinVar:

NM_005263.5(GFI1):c.672G>T (p.Glu224Asp)

Gene: GFI1 (growth factor independent 1 transcriptional repressor; minus strand). Cytogenetic location: 1p22.1.
Variant type: single nucleotide variant.
Coding change: c.672G>T on transcript NM_005263.5 (MANE Select); coding-DNA position 672, G replaced by T.
Protein change: p.Glu224Asp; replaces glutamic acid 224 with aspartic acid.
Molecular consequence: missense variant.
Genome position (GRCh38, 1-based): chr1:92,480,715, C>A on the plus strand (G>T on the coding strand, the complement: GFI1 is on the minus strand). VCF-style: chr1-92480715-C-A. GRCh37 (hg19) VCF-style: chr1-92946272-C-A.
Other names: c.672G>T, p.Glu224Asp (NM_001127215.3, NM_001127216.3); short protein forms E224D.
Identifiers: ClinVar variation 5022385 (VCV005022385.1).
Genomic context (GRCh38, chr1:92,480,715, plus strand): 5'-CAGCAGCTCCGACTCCACCTTGACGCCAGCGCCCTTGTCTGCGTGCAGCCCGTGGCCACG[C>A]TCGGGGTACAGCAAGCCCGCCGCTGCCGTGGGCCTCTCATACAGCCCGGCTGCCGCAGAC-3'
Protein context (NP_005254.2, residues 214-234): PTAAAGLLYP[Glu224Asp]RGHGLHADKG

ClinVar aggregate classification (germline): Uncertain significance (1 of 4 stars; one submission).

Submission:

Ambry Genetics
Classification: Uncertain significance. Last evaluated: 2026-08-04. Review status: criteria provided, single submitter. Criteria: Ambry Variant Classification Scheme 2023. Collection method: clinical testing. Allele origin: germline.
Comment: The p.E224D variant (also known as c.672G>T), located in coding exon 3 of the GFI1 gene, results from a G to T substitution at nucleotide position 672. The glutamic acid at codon 224 is replaced by aspartic acid, an amino acid with highly similar properties. This amino acid position is conserved. In addition, this alteration is predicted to be tolerated by in silico analysis. Based on the available evidence, the clinical significance of this variant remains unclear.